The following is an entry in ClinVar:

NM_006947.4(SRP72):c.1319A>G (p.Gln440Arg)

Gene: SRP72 (signal recognition particle 72; plus strand). Cytogenetic location: 4q12.
Variant type: single nucleotide variant.
Coding change: c.1319A>G on transcript NM_006947.4 (MANE Select); coding-DNA position 1319, A replaced by G.
Protein change: p.Gln440Arg; replaces glutamine 440 with arginine.
Molecular consequence: missense variant. On other transcripts: non-coding transcript variant (1).
Genome position (GRCh38, 1-based): chr4:56,489,482, A>G. VCF-style: chr4-56489482-A-G. GRCh37 (hg19) VCF-style: chr4-57355648-A-G.
Other names: c.1136A>G, p.Gln379Arg (NM_001267722.2); short protein forms Q379R, Q440R.
Identifiers: ClinVar variation 1526305 (VCV001526305.9), dbSNP rs200470119, ClinGen allele CA2931324.

ClinVar aggregate classification (germline): Uncertain significance. Review status: criteria provided, multiple submitters, no conflicts (2 of 4 stars). 3 submissions from 3 submitters: Uncertain significance (3). Last evaluated 2025-02-22.

Allele frequency attached by ClinVar (database versions not stated): TOPMed 0.00003; ExAC 0.00001; gnomAD exomes 0.00005 and 0.00001; gnomAD 0.00004.

Submissions (3):

Labcorp Genetics (formerly Invitae), Labcorp
Classification: Uncertain significance. Last evaluated: 2025-02-22. Review status: criteria provided, single submitter. Criteria: Invitae Variant Classification Sherloc (09022015). Collection method: clinical testing. Allele origin: germline.
Comment: This sequence change replaces glutamine, which is neutral and polar, with arginine, which is basic and polar, at codon 440 of the SRP72 protein (p.Gln440Arg). This variant is present in population databases (rs200470119, gnomAD 0.004%). This variant has not been reported in the literature in individuals affected with SRP72-related conditions. ClinVar contains an entry for this variant (Variation ID: 1526305). An algorithm developed to predict the effect of missense changes on protein structure and function (PolyPhen-2) suggests that this variant is likely to be tolerated. Algorithms developed to predict the effect of sequence changes on RNA splicing suggest that this variant may disrupt the consensus splice site. In summary, the available evidence is currently insufficient to determine the role of this variant in disease. Therefore, it has been classified as a Variant of Uncertain Significance.

Ambry Genetics
Classification: Uncertain significance. Last evaluated: 2024-11-25. Review status: criteria provided, single submitter. Criteria: Ambry Variant Classification Scheme 2023. Collection method: clinical testing. Allele origin: germline.

GeneDx
Classification: Uncertain significance. Last evaluated: 2023-11-21. Review status: criteria provided, single submitter. Criteria: GeneDx Variant Classification Process June 2021. Collection method: clinical testing. Allele origin: germline. Affected: yes.
Comment: Not observed at significant frequency in large population cohorts (gnomAD); In silico analysis supports that this missense variant does not alter protein structure/function; Has not been previously published as pathogenic or benign to our knowledge